The following is an entry in ClinVar:

ClinVar aggregate classification (germline): Uncertain significance. Review status: criteria provided, single submitter (1 of 4 stars). 2 submissions from 2 submitters: Uncertain significance (1). 1 of the submissions does not count toward it. Last evaluated 2024-08-31.

Conditions:
Glycogen storage disease, type II (IOPD). Also called: Glycogen storage disease type 2; Acid maltase deficiency disease; Aglucosidase alfa; Deficiency of alpha-glucosidase; Deficiency of lysosomal alpha-glucosidase; Pompe Disease. Identifiers: Orphanet 365, MedGen C0017921, MONDO:0009290, OMIM 232300.

Allele frequency attached by ClinVar (database versions not stated): gnomAD exomes below 0.00001.
gnomAD v4.1: 2 of 1,597,790 alleles (0.00013%); highest among the groups gnomAD compares: Non-Finnish European, 0.00017%; no homozygotes.

Submissions (2):

Labcorp Genetics (formerly Invitae), Labcorp
Classification: Uncertain significance for Glycogen storage disease, type II. Last evaluated: 2024-08-31. Review status: criteria provided, single submitter. Criteria: Invitae Variant Classification Sherloc (09022015). Collection method: clinical testing. Allele origin: germline.
Comment: This sequence change replaces aspartic acid, which is acidic and polar, with tyrosine, which is neutral and polar, at codon 227 of the GAA protein (p.Asp227Tyr). The frequency data for this variant in the population databases is considered unreliable, as metrics indicate poor data quality at this position in the gnomAD database. This variant has not been reported in the literature in individuals affected with GAA-related conditions. ClinVar contains an entry for this variant (Variation ID: 991137). Invitae Evidence Modeling of protein sequence and biophysical properties (such as structural, functional, and spatial information, amino acid conservation, physicochemical variation, residue mobility, and thermodynamic stability) has been performed for this missense variant. However, the output from this modeling did not meet the statistical confidence thresholds required to predict the impact of this variant on GAA protein function. In summary, the available evidence is currently insufficient to determine the role of this variant in disease. Therefore, it has been classified as a Variant of Uncertain Significance.

Natera, Inc.
Classification: Uncertain significance for Glycogen storage disease type II. Last evaluated: 2020-08-13. Review status: no assertion criteria provided. Collection method: clinical testing. Allele origin: germline. Not counted in ClinVar's aggregate classification.

NM_000152.5(GAA):c.679G>T (p.Asp227Tyr)

Gene: GAA (alpha glucosidase; plus strand). Cytogenetic location: 17q25.3.
Variant type: single nucleotide variant.
Coding change: c.679G>T on transcript NM_000152.5 (MANE Select); coding-DNA position 679, G replaced by T.
Protein change: p.Asp227Tyr; replaces aspartic acid 227 with tyrosine.
Molecular consequence: missense variant.
Genome position (GRCh38, 1-based): chr17:80,105,881, G>T. VCF-style: chr17-80105881-G-T. GRCh37 (hg19) VCF-style: chr17-78079680-G-T.
Other names: c.679G>T, p.Asp227Tyr (NM_001079803.3, NM_001079804.3); short protein forms D227Y.
Identifiers: ClinVar variation 991137 (VCV000991137.3), dbSNP rs1477774826, ClinGen allele CA401362561.
Genomic context (GRCh38, chr17:80,105,881, plus strand): 5'-CCACTCTACAGCGTGGAGTTCTCCGAGGAGCCCTTCGGGGTGATCGTGCGCCGGCAGCTG[G>T]ACGGCCGCGTGCTGTGAGTTCTGGGCTCTGTGCCAGCATGATGGGGAGGGCGACGCGCAT-3'
Protein context (NP_000143.2, residues 217-237): PFGVIVRRQL[Asp227Tyr]GRVLLNTTVA